The following is an entry in ClinVar:

ClinVar aggregate classification (germline): Uncertain significance (1 of 4 stars; one submission).

Conditions:
Hereditary cancer-predisposing syndrome. Also called: Hereditary neoplastic syndrome; Hereditary Cancer Syndrome; Neoplastic Syndromes, Hereditary; Tumor predisposition. Identifiers: Orphanet 140162, MedGen C0027672, MeSH D009386, MONDO:0015356.

Submission:

Ambry Genetics
Classification: Uncertain significance for Hereditary cancer-predisposing syndrome. Last evaluated: 2023-05-01. Review status: criteria provided, single submitter. Criteria: Ambry Variant Classification Scheme 2023. Collection method: clinical testing. Allele origin: germline.
Comment: The p.F188V variant (also known as c.562T>G), located in coding exon 3 of the RET gene, results from a T to G substitution at nucleotide position 562. The phenylalanine at codon 188 is replaced by valine, an amino acid with highly similar properties. This amino acid position is conserved. In addition, this alteration is predicted to be tolerated by in silico analysis. Since supporting evidence is limited at this time, the clinical significance of this alteration remains unclear.

NM_020975.6(RET):c.562T>G (p.Phe188Val)

Gene: RET (ret proto-oncogene; plus strand). Cytogenetic location: 10q11.21.
Variant type: single nucleotide variant.
Coding change: c.562T>G on transcript NM_020975.6 (MANE Select); coding-DNA position 562, T replaced by G.
Protein change: p.Phe188Val; replaces phenylalanine 188 with valine.
Molecular consequence: missense variant. On other transcripts: intron variant (15).
Genome position (GRCh38, 1-based): chr10:43,102,566, T>G. VCF-style: chr10-43102566-T-G. GRCh37 (hg19) VCF-style: chr10-43598014-T-G.
Other names: c.562T>G, p.Phe188Val (NM_000323.2, NM_001406743.1, NM_001406744.1 and 16 more transcripts); c.433T>G, p.Phe145Val (NM_001406761.1, NM_001406762.1, NM_001406764.1 and 4 more transcripts); c.337+1844T>G (NM_001406770.1, NM_001406766.1, NM_001406767.1 and 8 more transcripts); c.74-6465T>G (NM_001406784.1); c.74-9533T>G (NM_001406794.1, NM_001406792.1, NM_001406793.1); short protein forms F188V, F145V.
Identifiers: ClinVar variation 2568348 (VCV002568348.2), dbSNP rs2492163585, ClinGen allele CA376543501.